The following is an entry in ClinVar:

ClinVar aggregate classification (germline): Likely benign. Review status: criteria provided, multiple submitters, no conflicts (2 of 4 stars). 2 submissions from 2 submitters: Likely benign (2). Last evaluated 2024-01-17.

Conditions:
Schuurs-Hoeijmakers syndrome. Also called: PACS1-Related Neurodevelopmental Disorder. Identifiers: Orphanet 329224, MedGen C3554343, MONDO:0014006, OMIM 615009.

Allele frequency attached by ClinVar (database versions not stated): gnomAD exomes below 0.00001 and 0.00001.
gnomAD v4.1: 13 of 1,613,854 alleles (0.00081%); highest among the groups gnomAD compares: Non-Finnish European, 0.001%; no homozygotes.

Submissions (2):

Labcorp Genetics (formerly Invitae), Labcorp
Classification: Likely benign for Schuurs-Hoeijmakers syndrome. Last evaluated: 2024-01-17. Review status: criteria provided, single submitter. Criteria: Invitae Variant Classification Sherloc (09022015). Collection method: clinical testing. Allele origin: germline.

GeneDx
Classification: Likely benign. Last evaluated: 2021-04-05. Review status: criteria provided, single submitter. Criteria: GeneDx Variant Classification Process June 2021. Collection method: clinical testing. Allele origin: germline. Affected: yes.
Comment: Has not been previously published as pathogenic or benign to our knowledge; In silico analysis supports that this variant does not alter splicing

NM_018026.4(PACS1):c.1389G>A (p.Gln463=)

Gene: PACS1 (phosphofurin acidic cluster sorting protein 1; plus strand). Cytogenetic location: 11q13.2.
Variant type: single nucleotide variant.
Coding change: c.1389G>A on transcript NM_018026.4 (MANE Select); coding-DNA position 1389, G replaced by A.
Protein change: p.Gln463=; no amino-acid change (glutamine 463 retained).
Molecular consequence: synonymous variant.
Genome position (GRCh38, 1-based): chr11:66,230,562, G>A. VCF-style: chr11-66230562-G-A. GRCh37 (hg19) VCF-style: chr11-65998033-G-A.
Identifiers: ClinVar variation 1254467 (VCV001254467.5), dbSNP rs778999471, ClinGen allele CA224032800.
Genomic context (GRCh38, chr11:66,230,562, plus strand): 5'-CACTGAGTGGGAGGTCATCTTCACTGTTTCCTCTCCTCCATGGTAGGAAATCACTGACCA[G>A]GACATGTTTGGAGATGCCAGCACGAGTCTGGTTGTGCCGGAGAAAGTCAAAACTCCCATG-3'
Protein context (NP_060496.2, residues 453-473): TETDTLEITD[Gln463=]DMFGDASTSL